The following is an entry in ClinVar:

NM_000346.4(SOX9):c.341T>C (p.Val114Ala)

Genes: SOX9 (SRY-box transcription factor 9; plus strand), LOC108021846 (SOX9 promoter region; plus strand). Cytogenetic location: 17q24.3.
Variant type: single nucleotide variant.
Coding change: c.341T>C on transcript NM_000346.4 (MANE Select); coding-DNA position 341, T replaced by C.
Protein change: p.Val114Ala; replaces valine 114 with alanine.
Molecular consequence: missense variant.
Genome position (GRCh38, 1-based): chr17:72,121,732, T>C. VCF-style: chr17-72121732-T-C. GRCh37 (hg19) VCF-style: chr17-70117873-T-C.
Other names: short protein forms V114A.
Identifiers: ClinVar variation 2841952 (VCV002841952.3), dbSNP rs2143240144, ClinGen allele CA400866057.

ClinVar aggregate classification (germline): Uncertain significance (1 of 4 stars; one submission).

Conditions:
Camptomelic dysplasia (CMPD). Also called: Campomelic Dysplasia; CMPD1/SRA1. Identifiers: Orphanet 140, MedGen C1861922, MONDO:0007251, OMIM 114290.

Submission:

Labcorp Genetics (formerly Invitae), Labcorp
Classification: Uncertain significance for Camptomelic dysplasia. Last evaluated: 2025-04-30. Review status: criteria provided, single submitter. Criteria: Invitae Variant Classification Sherloc (09022015). Collection method: clinical testing. Allele origin: germline.
Comment: This sequence change replaces valine, which is neutral and non-polar, with alanine, which is neutral and non-polar, at codon 114 of the SOX9 protein (p.Val114Ala). This variant is not present in population databases (gnomAD no frequency). This variant has not been reported in the literature in individuals affected with SOX9-related conditions. ClinVar contains an entry for this variant (Variation ID: 2841952). Invitae Evidence Modeling of protein sequence and biophysical properties (such as structural, functional, and spatial information, amino acid conservation, physicochemical variation, residue mobility, and thermodynamic stability) indicates that this missense variant is expected to disrupt SOX9 protein function with a positive predictive value of 95%. In summary, the available evidence is currently insufficient to determine the role of this variant in disease. Therefore, it has been classified as a Variant of Uncertain Significance.